The following is an entry in ClinVar:

NM_002430.3(MN1):c.13G>A (p.Asp5Asn)

Gene: MN1 (MN1 proto-oncogene, transcriptional regulator; minus strand). Cytogenetic location: 22q12.1.
Variant type: single nucleotide variant.
Coding change: c.13G>A on transcript NM_002430.3 (MANE Select); coding-DNA position 13, G replaced by A.
Protein change: p.Asp5Asn; replaces aspartic acid 5 with asparagine.
Molecular consequence: missense variant.
Genome position (GRCh38, 1-based): chr22:27,800,531, C>T on the plus strand (G>A on the coding strand, the complement: MN1 is on the minus strand). VCF-style: chr22-27800531-C-T. GRCh37 (hg19) VCF-style: chr22-28196519-C-T.
Other names: short protein forms D5N.
Identifiers: ClinVar variation 5002102 (VCV005002102.1).
Genomic context (GRCh38, chr22:27,800,531, plus strand): 5'-CGTTAAAGTTCCTCTCGCCCTGGCCAGCGTTCCTGCTGTTGACCTGGGGCTCGAATTGGT[C>T]CAGCCCAAACATACTTGGCGGGGGGCAGAGGGGGATCAATAGGGCATGACAGCCGGCTCT-3'
Protein context (NP_002421.3, residues 1-15): MFGL[Asp5Asn]QFEPQVNSRN

ClinVar aggregate classification (germline): Uncertain significance (1 of 4 stars; one submission).

Conditions:
MN1-related disorder. Also called: MN1-related condition.

Submission:

PreventionGenetics, part of Exact Sciences
Classification: Uncertain significance for MN1-related condition. Last evaluated: 2024-11-02. Review status: criteria provided, single submitter. Criteria: ACMG Guidelines, 2015. Collection method: clinical testing. Allele origin: germline.
Comment: The MN1 c.13G>A variant is predicted to result in the amino acid substitution p.Asp5Asn. To our knowledge, this variant has not been reported in the literature or in a large population database (gnomAD), indicating this variant is rare. At this time, the clinical significance of this variant is uncertain due to the absence of conclusive functional and genetic evidence.